The following is an entry in ClinVar:

ClinVar aggregate classification (germline): Likely benign. Review status: criteria provided, multiple submitters, no conflicts (2 of 4 stars). 3 submissions from 3 submitters: Likely benign (2). 1 of the submissions does not count toward it. Last evaluated 2025-10-21.

Conditions:
BACH2-related disorder. Also called: BACH2-related condition.

Allele frequency attached by ClinVar (database versions not stated): gnomAD 0.00006; TOPMed 0.00007; ESP Exome Variant Server 0.00008; gnomAD exomes 0.00011; 1000 Genomes Project 30x 0.00016; ExAC 0.00016; 1000 Genomes Project 0.00020.
gnomAD v4.1: 183 of 1,614,256 alleles (0.011%); highest among the groups gnomAD compares: Non-Finnish European, 0.015%; no homozygotes.

Submissions (3):

Labcorp Genetics (formerly Invitae), Labcorp
Classification: Likely benign. Last evaluated: 2025-10-21. Review status: criteria provided, single submitter. Criteria: Invitae Variant Classification Sherloc (09022015). Collection method: clinical testing. Allele origin: germline.

Blueprint Genetics
Classification: Likely benign. Last evaluated: 2024-10-01. Review status: criteria provided, single submitter. Criteria: ACMG Guidelines, 2015. Collection method: clinical testing. Allele origin: germline.

PreventionGenetics, part of Exact Sciences
Classification: Likely benign for BACH2-related condition. Last evaluated: 2024-01-05. Review status: no assertion criteria provided. Collection method: clinical testing. Allele origin: germline. Not counted in ClinVar's aggregate classification.
Comment: This variant is classified as likely benign based on ACMG/AMP sequence variant interpretation guidelines (Richards et al. 2015 PMID: 25741868, with internal and published modifications).

NM_021813.4(BACH2):c.729T>C (p.Tyr243=)

Gene: BACH2 (BACH transcriptional regulator 2; minus strand). Cytogenetic location: 6q15.
Variant type: single nucleotide variant.
Coding change: c.729T>C on transcript NM_021813.4 (MANE Select); coding-DNA position 729, T replaced by C.
Protein change: p.Tyr243=; no amino-acid change (tyrosine 243 retained).
Molecular consequence: synonymous variant.
Genome position (GRCh38, 1-based): chr6:89,951,377, A>G on the plus strand (T>C on the coding strand, the complement: BACH2 is on the minus strand). VCF-style: chr6-89951377-A-G. GRCh37 (hg19) VCF-style: chr6-90661096-A-G.
Other names: c.729T>C (NM_021813.3); c.729T>C, p.Tyr243= (NM_001170794.2).
Identifiers: ClinVar variation 1642539 (VCV001642539.11), dbSNP rs138821467, ClinGen allele CA3928122.